The following is an entry in ClinVar:

NM_003611.3(OFD1):c.1066G>C (p.Glu356Gln)

Gene: OFD1 (OFD1 centriole and centriolar satellite protein; plus strand). Cytogenetic location: Xp22.2.
Variant type: single nucleotide variant.
Coding change: c.1066G>C on transcript NM_003611.3 (MANE Select); coding-DNA position 1066, G replaced by C.
Protein change: p.Glu356Gln; replaces glutamic acid 356 with glutamine.
Molecular consequence: missense variant.
Genome position (GRCh38, 1-based): chrX:13,753,378, G>C. VCF-style: chrX-13753378-G-C. GRCh37 (hg19) VCF-style: chrX-13771497-G-C.
Other names: c.946G>C, p.Glu316Gln (NM_001330209.2); c.646G>C, p.Glu216Gln (NM_001330210.2); short protein forms E216Q, E356Q, E316Q.
Identifiers: ClinVar variation 2925657 (VCV002925657.3), dbSNP rs201343205, ClinGen allele CA326117685.
Genomic context (GRCh38, chrX:13,753,378, plus strand): 5'-TTTCCAGAAAAATGCCTGAGGAGCTCATATTTAGTCATTCTGATTCTCAGGTATCAACTT[G>C]AACTGAAGGATGACTACATCATTAGAACTAATCGACTGATTGAAGATGAAAGGAAGAATA-3'
Protein context (NP_003602.1, residues 346-366): LKNELLKYQL[Glu356Gln]LKDDYIIRTN

ClinVar aggregate classification (germline): Uncertain significance (1 of 4 stars; one submission).

Conditions:
Joubert syndrome. Also called: CEREBELLOPARENCHYMAL DISORDER IV; JOUBERT-BOLTSHAUSER SYNDROME; Familial aplasia of the vermis. Identifiers: Orphanet 475, MedGen C5979921, MONDO:0018772.
Orofaciodigital syndrome I (OFD1). Also called: OFDS I; Papillon-Leage and Psaume Syndrome; Oral-Facial-Digital Syndrome Type I. Identifiers: Orphanet 2750, MedGen C1510460, MONDO:0010702, OMIM 311200.

Allele frequency attached by ClinVar (database versions not stated): gnomAD exomes below 0.00001; TOPMed 0.00001; gnomAD 0.00002; 1000 Genomes Project 30x 0.00062.
gnomAD v4.1: 3 of 1,205,558 alleles (0.00025%); highest among the groups gnomAD compares: East Asian, 0.0089%; no homozygotes.

Submission:

Labcorp Genetics (formerly Invitae), Labcorp
Classification: Uncertain significance for Orofaciodigital syndrome I; Joubert syndrome. Last evaluated: 2025-11-24. Review status: criteria provided, single submitter. Criteria: Invitae Variant Classification Sherloc (09022015). Collection method: clinical testing. Allele origin: germline.
Comment: This sequence change replaces glutamic acid, which is acidic and polar, with glutamine, which is neutral and polar, at codon 356 of the OFD1 protein (p.Glu356Gln). This variant is present in population databases (rs201343205, gnomAD 0.02%). This missense change has been observed in individual(s) with autism spectrum disorder (PMID: 28831199). ClinVar contains an entry for this variant (Variation ID: 2925657). Invitae Evidence Modeling of protein sequence and biophysical properties (such as structural, functional, and spatial information, amino acid conservation, physicochemical variation, residue mobility, and thermodynamic stability) indicates that this missense variant is not expected to disrupt OFD1 protein function with a negative predictive value of 80%. In summary, the available evidence is currently insufficient to determine the role of this variant in disease. Therefore, it has been classified as a Variant of Uncertain Significance.

Literature cited by the submitters: PubMed 28831199.